The following is an entry in ClinVar:

NM_005228.5(EGFR):c.3085A>G (p.Thr1029Ala)

Gene: EGFR (epidermal growth factor receptor; plus strand). Cytogenetic location: 7p11.2.
Variant type: single nucleotide variant.
Coding change: c.3085A>G on transcript NM_005228.5 (MANE Select); coding-DNA position 3085, A replaced by G.
Protein change: p.Thr1029Ala; replaces threonine 1029 with alanine.
Molecular consequence: missense variant.
Genome position (GRCh38, 1-based): chr7:55,201,326, A>G. VCF-style: chr7-55201326-A-G. GRCh37 (hg19) VCF-style: chr7-55269019-A-G.
Other names: c.2950A>G, p.Thr984Ala (NM_001346897.2, NM_001346899.2); c.3085A>G, p.Thr1029Ala (NM_001346898.2); c.2926A>G, p.Thr976Ala (NM_001346900.2); c.2284A>G, p.Thr762Ala (NM_001346941.2); short protein forms T1029A, T976A, T762A, T984A.
Identifiers: ClinVar variation 857158 (VCV000857158.10), dbSNP rs1296356016, ClinGen allele CA367582712.
Genomic context (GRCh38, chr7:55,201,326, plus strand): 5'-GACGTGGTGGATGCCGACGAGTACCTCATCCCACAGCAGGGCTTCTTCAGCAGCCCCTCC[A>G]CGTCACGGACTCCCCTCCTGAGCTCTCTGGTATGAAATCTCTGTCTCTCTCTCTCTCTCA-3'
Protein context (NP_005219.2, residues 1019-1039): PQQGFFSSPS[Thr1029Ala]SRTPLLSSLS

ClinVar aggregate classification (germline): Uncertain significance. Review status: criteria provided, multiple submitters, no conflicts (2 of 4 stars). 2 submissions from 2 submitters: Uncertain significance (2). Last evaluated 2025-07-07.

Conditions:
Hereditary cancer-predisposing syndrome. Also called: Tumor predisposition; Hereditary neoplastic syndrome; Neoplastic Syndromes, Hereditary; Hereditary Cancer Syndrome. Identifiers: Orphanet 140162, MedGen C0027672, MeSH D009386, MONDO:0015356.
EGFR-related lung cancer (EGFR). Identifiers: MedGen CN130014.

Allele frequency attached by ClinVar (database versions not stated): gnomAD 0.00001; gnomAD exomes 0.00001; TOPMed 0.00001.
gnomAD v4.1: 5 of 1,613,840 alleles (0.00031%); highest among the groups gnomAD compares: Non-Finnish European, 0.00042%; no homozygotes.

Submissions (2):

Labcorp Genetics (formerly Invitae), Labcorp
Classification: Uncertain significance for EGFR-related lung cancer. Last evaluated: 2025-07-07. Review status: criteria provided, single submitter. Criteria: Invitae Variant Classification Sherloc (09022015). Collection method: clinical testing. Allele origin: germline.
Comment: This sequence change replaces threonine, which is neutral and polar, with alanine, which is neutral and non-polar, at codon 1029 of the EGFR protein (p.Thr1029Ala). This variant is not present in population databases (gnomAD no frequency). This variant has not been reported in the literature in individuals affected with EGFR-related conditions. ClinVar contains an entry for this variant (Variation ID: 857158). An algorithm developed to predict the effect of missense changes on protein structure and function (PolyPhen-2) suggests that this variant is likely to be tolerated. In summary, the available evidence is currently insufficient to determine the role of this variant in disease. Therefore, it has been classified as a Variant of Uncertain Significance.

Ambry Genetics
Classification: Uncertain significance for Hereditary cancer-predisposing syndrome. Last evaluated: 2025-03-20. Review status: criteria provided, single submitter. Criteria: Ambry Variant Classification Scheme 2023. Collection method: clinical testing. Allele origin: germline.
Comment: The p.T1029A variant (also known as c.3085A>G), located in coding exon 25 of the EGFR gene, results from an A to G substitution at nucleotide position 3085. The threonine at codon 1029 is replaced by alanine, an amino acid with similar properties. This amino acid position is well conserved in available vertebrate species. In addition, this alteration is predicted to be tolerated by in silico analysis. Based on the available evidence, the clinical significance of this variant remains unclear.